The following is an entry in ClinVar:

NM_005428.4(VAV1):c.1534A>G (p.Thr512Ala)

Gene: VAV1 (vav guanine nucleotide exchange factor 1; plus strand). Cytogenetic location: 19p13.3.
Variant type: single nucleotide variant.
Coding change: c.1534A>G on transcript NM_005428.4 (MANE Select); coding-DNA position 1534, A replaced by G.
Protein change: p.Thr512Ala; replaces threonine 512 with alanine.
Molecular consequence: missense variant.
Genome position (GRCh38, 1-based): chr19:6,833,209, A>G. VCF-style: chr19-6833209-A-G. GRCh37 (hg19) VCF-style: chr19-6833220-A-G.
Other names: c.1534A>G, p.Thr512Ala (NM_001258206.2); c.1438A>G, p.Thr480Ala (NM_001258207.2); c.1534A>G (NM_005428.2); short protein forms T480A, T512A.
Identifiers: ClinVar variation 1358342 (VCV001358342.9), dbSNP rs1972131543, ClinGen allele CA403627360.
Genomic context (GRCh38, chr19:6,833,209, plus strand): 5'-TTCTTTTTTTTTTTTTTTTAATTTTCCCCTGCCAGCTCCAACATCTATCCGGAGAATGCC[A>G]CCGCCAACGGGCATGACTTCCAGATGTTCTCCTTTGAGGAGACCACATCCTGCAAGGCCT-3'
Protein context (NP_005419.2, residues 502-522): AISNIYPENA[Thr512Ala]ANGHDFQMFS

ClinVar aggregate classification (germline): Uncertain significance. Review status: criteria provided, multiple submitters, no conflicts (2 of 4 stars). 2 submissions from 2 submitters: Uncertain significance (2). Last evaluated 2024-01-04.

Allele frequency attached by ClinVar (database versions not stated): TOPMed below 0.00001.
gnomAD v4.1: 1 of 1,610,196 alleles (0.000062%); no homozygotes.

Submissions (2):

Ambry Genetics
Classification: Uncertain significance. Last evaluated: 2024-01-04. Review status: criteria provided, single submitter. Criteria: Ambry Variant Classification Scheme 2023. Collection method: clinical testing. Allele origin: germline.

Labcorp Genetics (formerly Invitae), Labcorp
Classification: Uncertain significance. Last evaluated: 2022-02-05. Review status: criteria provided, single submitter. Criteria: Invitae Variant Classification Sherloc (09022015). Collection method: clinical testing. Allele origin: germline.
Comment: In summary, the available evidence is currently insufficient to determine the role of this variant in disease. Therefore, it has been classified as a Variant of Uncertain Significance. Algorithms developed to predict the effect of missense changes on protein structure and function output the following: SIFT: "Tolerated"; PolyPhen-2: "Benign"; Align-GVGD: "Class C0". The alanine amino acid residue is found in multiple mammalian species, which suggests that this missense change does not adversely affect protein function. This variant has not been reported in the literature in individuals affected with VAV1-related conditions. This variant is not present in population databases (gnomAD no frequency). This sequence change replaces threonine, which is neutral and polar, with alanine, which is neutral and non-polar, at codon 512 of the VAV1 protein (p.Thr512Ala).